The following is an entry in ClinVar:

NM_005198.5(CHKB):c.677+3G>A

Genes: CHKB (choline kinase beta; minus strand), CHKB-CPT1B (CHKB-CPT1B readthrough (NMD candidate); minus strand). Cytogenetic location: 22q13.33.
Variant type: single nucleotide variant.
Coding change: c.677+3G>A on transcript NM_005198.5 (MANE Select); 3 bases into the intron after coding-DNA position 677, G replaced by A.
Molecular consequence: intron variant.
Genome position (GRCh38, 1-based): chr22:50,580,562, C>T on the plus strand (G>A on the coding strand, the complement: CHKB is on the minus strand). VCF-style: chr22-50580562-C-T. GRCh37 (hg19) VCF-style: chr22-51018991-C-T.
Identifiers: ClinVar variation 1497597 (VCV001497597.6), dbSNP rs2146654459, ClinGen allele CA2573158291.
Genomic context (GRCh38, chr22:50,580,562, plus strand): 5'-GCCCTCAGCAACTACTGGAAGGGCGGACACCATTACCATTAGCCTTGTCCTGCCTGCCCT[C>T]ACCTGAGGTTGCCCATCTCATCCTTCAGGCTGTACATCTCCAGCAGGTTCATCTCAGGGA-3'

ClinVar aggregate classification (germline): Uncertain significance (1 of 4 stars; one submission).

Conditions:
Megaconial type congenital muscular dystrophy (MDCMC). Also called: CHKB-Related Muscular Dystrophy; MUSCULAR DYSTROPHY, CONGENITAL, WITH MITOCHONDRIAL STRUCTURAL ABNORMALITIES; CHKB-Related Muscle Diseases. Identifiers: Orphanet 280671, MedGen C1865233, MONDO:0011246, OMIM 602541.

Submission:

Labcorp Genetics (formerly Invitae), Labcorp
Classification: Uncertain significance for Megaconial type congenital muscular dystrophy. Last evaluated: 2022-08-09. Review status: criteria provided, single submitter. Criteria: Invitae Variant Classification Sherloc (09022015). Collection method: clinical testing. Allele origin: germline.
Comment: In summary, the available evidence is currently insufficient to determine the role of this variant in disease. Therefore, it has been classified as a Variant of Uncertain Significance. Variants that disrupt the consensus splice site are a relatively common cause of aberrant splicing (PMID: 17576681, 9536098). Algorithms developed to predict the effect of sequence changes on RNA splicing suggest that this variant is not likely to affect RNA splicing. ClinVar contains an entry for this variant (Variation ID: 1497597). This variant has not been reported in the literature in individuals affected with CHKB-related conditions. This variant is not present in population databases (gnomAD no frequency). This sequence change falls in intron 5 of the CHKB gene. It does not directly change the encoded amino acid sequence of the CHKB protein. It affects a nucleotide within the consensus splice site.

Literature cited by the submitters: PubMed 17576681; PubMed 9536098.